The following is an entry in ClinVar:

ClinVar aggregate classification (germline): Uncertain significance (1 of 4 stars; one submission).

Conditions:
Primary ciliary dyskinesia. Also called: Ciliary dyskinesia. Identifiers: Orphanet 244, MedGen C0008780, MONDO:0016575, HP:0012265.

Submission:

Labcorp Genetics (formerly Invitae), Labcorp
Classification: Uncertain significance for Primary ciliary dyskinesia. Last evaluated: 2021-12-24. Review status: criteria provided, single submitter. Criteria: Invitae Variant Classification Sherloc (09022015). Collection method: clinical testing. Allele origin: germline.
Comment: Algorithms developed to predict the effect of missense changes on protein structure and function are either unavailable or do not agree on the potential impact of this missense change (SIFT: "Tolerated"; PolyPhen-2: "Possibly Damaging"; Align-GVGD: "Class C0"). This variant has not been reported in the literature in individuals affected with DNAAF3-related conditions. This variant is not present in population databases (gnomAD no frequency). This sequence change replaces threonine, which is neutral and polar, with lysine, which is basic and polar, at codon 373 of the DNAAF3 protein (p.Thr373Lys). Algorithms developed to predict the effect of sequence changes on RNA splicing suggest that this variant may create or strengthen a splice site. In summary, the available evidence is currently insufficient to determine the role of this variant in disease. Therefore, it has been classified as a Variant of Uncertain Significance.

NM_001256715.2(DNAAF3):c.914C>A (p.Thr305Lys)

Genes: DNAAF3 (dynein axonemal assembly factor 3; minus strand), DNAAF3-AS1 (DNAAF3 antisense RNA 1; plus strand). Cytogenetic location: 19q13.42.
Variant type: single nucleotide variant.
Coding change: c.914C>A on transcript NM_001256715.2 (MANE Select); coding-DNA position 914, C replaced by A.
Protein change: p.Thr305Lys; replaces threonine 305 with lysine.
Molecular consequence: missense variant.
Genome position (GRCh38, 1-based): chr19:55,160,774, G>T on the plus strand (C>A on the coding strand, the complement: DNAAF3 is on the minus strand). VCF-style: chr19-55160774-G-T. GRCh37 (hg19) VCF-style: chr19-55672142-G-T.
Other names: c.1118C>A, p.Thr373Lys (NM_001256714.1); c.752C>A, p.Thr251Lys (NM_001256716.2); c.1055C>A, p.Thr352Lys (NM_178837.4); short protein forms T352K, T373K, T251K, T305K.
Identifiers: ClinVar variation 2075564 (VCV002075564.4), dbSNP rs964668148, ClinGen allele CA310153189.